The following is an entry in ClinVar:

NM_001114753.3(ENG):c.1274C>T (p.Ala425Val)

Genes: ENG (endoglin; minus strand), LOC102723566 (uncharacterized LOC102723566; plus strand). Cytogenetic location: 9q34.11.
Variant type: single nucleotide variant.
Coding change: c.1274C>T on transcript NM_001114753.3 (MANE Select); coding-DNA position 1274, C replaced by T.
Protein change: p.Ala425Val; replaces alanine 425 with valine.
Molecular consequence: missense variant.
Genome position (GRCh38, 1-based): chr9:127,819,659, G>A on the plus strand (C>T on the coding strand, the complement: ENG is on the minus strand). VCF-style: chr9-127819659-G-A. GRCh37 (hg19) VCF-style: chr9-130581938-G-A.
Other names: c.1274C>T, p.Ala425Val (NM_000118.4); c.728C>T, p.Ala243Val (NM_001278138.2); short protein forms A425V, A243V.
Identifiers: ClinVar variation 161230 (VCV000161230.7), dbSNP rs369997021, ClinGen allele CA211417.

ClinVar aggregate classification (germline): Uncertain significance. Review status: criteria provided, multiple submitters, no conflicts (2 of 4 stars). 3 submissions from 3 submitters: Uncertain significance (2). 1 of the submissions does not count toward it. Last evaluated 2024-10-30.

Conditions:
Hereditary hemorrhagic telangiectasia (HHT). Also called: Osler hemorrhagic telangiectasia syndrome; ORW DISEASE; Osler Weber Rendu syndrome; OSLER-RENDU-WEBER DISEASE. Identifiers: Orphanet 774, MedGen C0039445, MONDO:0019180. Disease mechanism: loss of function.
Haemorrhagic telangiectasia 1.
Telangiectasia, hereditary hemorrhagic, type 1 (HHT1). Also called: Osler Weber Rendu syndrome type 1; ENG-Related Hereditary Hemorrhagic Telangiectasia. Identifiers: Orphanet 774, MedGen C4551861, MONDO:0008535, OMIM 187300. Disease mechanism: loss of function.

Allele frequency attached by ClinVar (database versions not stated): gnomAD 0.00001; ExAC 0.00002; ESP Exome Variant Server 0.00008; gnomAD exomes 0.00003; TOPMed 0.00004.
gnomAD v4.1: 19 of 1,609,324 alleles (0.0012%); highest among the groups gnomAD compares: South Asian, 0.0067%; no homozygotes.

Submissions (3):

Labcorp Genetics (formerly Invitae), Labcorp
Classification: Uncertain significance for Hereditary hemorrhagic telangiectasia. Last evaluated: 2024-10-30. Review status: criteria provided, single submitter. Criteria: Invitae Variant Classification Sherloc (09022015). Collection method: clinical testing. Allele origin: germline.
Comment: This sequence change replaces alanine, which is neutral and non-polar, with valine, which is neutral and non-polar, at codon 425 of the ENG protein (p.Ala425Val). This variant is present in population databases (rs369997021, gnomAD 0.007%). This missense change has been observed in individual(s) with gastrointestinal polyps (PMID: 23399955). ClinVar contains an entry for this variant (Variation ID: 161230). An algorithm developed to predict the effect of missense changes on protein structure and function outputs the following: PolyPhen-2: "Benign". The valine amino acid residue is found in multiple mammalian species, which suggests that this missense change does not adversely affect protein function. In summary, the available evidence is currently insufficient to determine the role of this variant in disease. Therefore, it has been classified as a Variant of Uncertain Significance.

Fulgent Genetics
Classification: Uncertain significance for Telangiectasia, hereditary hemorrhagic, type 1. Last evaluated: 2024-04-09. Review status: criteria provided, single submitter. Criteria: ACMG Guidelines, 2015. Collection method: clinical testing. Allele origin: germline.

CSER _CC_NCGL, University of Washington
Classification: Uncertain significance for Haemorrhagic telangiectasia 1. Last evaluated: 2014-06-01. Review status: no assertion criteria provided. Collection method: research. Allele origin: germline. Inheritance: Autosomal dominant inheritance. Study: ESP 6500 variant annotation. Not counted in ClinVar's aggregate classification.
Comment: Variants classified for the Actionable exomic incidental findings in 6503 participants: challenges of variant classification manuscript

Literature cited by the submitters: PubMed 23399955 (cited by Labcorp Genetics (formerly Invitae), Labcorp).